The following is an entry in ClinVar:

ClinVar aggregate classification (germline): Uncertain significance (1 of 4 stars; one submission).

Allele frequency attached by ClinVar (database versions not stated): gnomAD exomes below 0.00001.
gnomAD v4.1: 1 of 1,613,586 alleles (0.000062%); highest among the groups gnomAD compares: Non-Finnish European, 0.000085%; no homozygotes.

Submission:

GeneDx
Classification: Uncertain significance. Last evaluated: 2022-08-23. Review status: criteria provided, single submitter. Criteria: GeneDx Variant Classification Process June 2021. Collection method: clinical testing. Allele origin: germline. Affected: yes.
Comment: Not observed in large population cohorts (gnomAD); In silico analysis supports that this missense variant has a deleterious effect on protein structure/function; Has not been previously published as pathogenic or benign to our knowledge

NM_152296.5(ATP1A3):c.2977G>A (p.Glu993Lys)

Gene: ATP1A3 (ATPase Na+/K+ transporting subunit alpha 3; minus strand). Cytogenetic location: 19q13.2.
Variant type: single nucleotide variant.
Coding change: c.2977G>A on transcript NM_152296.5 (MANE Select); coding-DNA position 2977, G replaced by A.
Protein change: p.Glu993Lys; replaces glutamic acid 993 with lysine.
Molecular consequence: missense variant.
Genome position (GRCh38, 1-based): chr19:41,967,285, C>T on the plus strand (G>A on the coding strand, the complement: ATP1A3 is on the minus strand). VCF-style: chr19-41967285-C-T. GRCh37 (hg19) VCF-style: chr19-42471437-C-T.
Other names: c.3010G>A, p.Glu1004Lys (NM_001256213.2); c.3016G>A, p.Glu1006Lys (NM_001256214.2); short protein forms E1004K, E1006K, E993K.
Identifiers: ClinVar variation 1703427 (VCV001703427.2), dbSNP rs2514023633, ClinGen allele CA406035062.
Genomic context (GRCh38, chr19:41,967,285, plus strand): 5'-GGCTGCCTTGCCGAGCTCCCTCACCCCCTGGGTTCCTGCGCAGGATGAGTTTGCGGATTT[C>T]GTCGTAGACGAAGATGAGGAAACTGTAGGGGAAGGCACAGAACCACCAGCTGGGCCTGCA-3'
Protein context (NP_689509.1, residues 983-1003): PYSFLIFVYD[Glu993Lys]IRKLILRRNP